The following is an entry in ClinVar:

NM_001122659.3(EDNRB):c.95C>T (p.Pro32Leu)

Gene: EDNRB (endothelin receptor type B; minus strand). Cytogenetic location: 13q22.3.
Variant type: single nucleotide variant.
Coding change: c.95C>T on transcript NM_001122659.3 (MANE Select); coding-DNA position 95, C replaced by T.
Protein change: p.Pro32Leu; replaces proline 32 with leucine.
Molecular consequence: missense variant.
Genome position (GRCh38, 1-based): chr13:77,918,479, G>A on the plus strand (C>T on the coding strand, the complement: EDNRB is on the minus strand). VCF-style: chr13-77918479-G-A. GRCh37 (hg19) VCF-style: chr13-78492614-G-A.
Other names: c.95C>T, p.Pro32Leu (NM_000115.5, NM_003991.4); c.365C>T, p.Pro122Leu (NM_001201397.2); short protein forms P122L, P32L.
Identifiers: ClinVar variation 4282001 (VCV004282001.1).

ClinVar aggregate classification (germline): Uncertain significance (1 of 4 stars; one submission).

gnomAD v4.1: 1 of 1,562,684 alleles (0.000064%); highest among the groups gnomAD compares: African/African-American, 0.0014%; no homozygotes.

Submission:

GeneDx
Classification: Uncertain significance. Last evaluated: 2025-04-18. Review status: criteria provided, single submitter. Criteria: GeneDx Variant Classification Process June 2021. Collection method: clinical testing. Allele origin: germline. Affected: yes.
Comment: Not observed at significant frequency in large population cohorts (gnomAD); In silico analysis indicates that this missense variant does not alter protein structure/function; Has not been previously published as pathogenic or benign to our knowledge